The following is an entry in ClinVar:

ClinVar aggregate classification (germline): Uncertain significance (1 of 4 stars; one submission).

Submission:

Labcorp Genetics (formerly Invitae), Labcorp
Classification: Uncertain significance. Last evaluated: 2023-05-22. Review status: criteria provided, single submitter. Criteria: Invitae Variant Classification Sherloc (09022015). Collection method: clinical testing. Allele origin: germline.
Comment: This sequence change replaces valine, which is neutral and non-polar, with phenylalanine, which is neutral and non-polar, at codon 25 of the PPP2R1A protein (p.Val25Phe). This variant is not present in population databases (gnomAD no frequency). This variant has not been reported in the literature in individuals affected with PPP2R1A-related conditions. Advanced modeling of protein sequence and biophysical properties (such as structural, functional, and spatial information, amino acid conservation, physicochemical variation, residue mobility, and thermodynamic stability) performed at Invitae indicates that this missense variant is expected to disrupt PPP2R1A protein function. In summary, the available evidence is currently insufficient to determine the role of this variant in disease. Therefore, it has been classified as a Variant of Uncertain Significance.

NM_014225.6(PPP2R1A):c.73G>T (p.Val25Phe)

Gene: PPP2R1A (protein phosphatase 2 scaffold subunit Aalpha; plus strand). Cytogenetic location: 19q13.41.
Variant type: single nucleotide variant.
Coding change: c.73G>T on transcript NM_014225.6 (MANE Select); coding-DNA position 73, G replaced by T.
Protein change: p.Val25Phe; replaces valine 25 with phenylalanine.
Molecular consequence: missense variant. On other transcripts: non-coding transcript variant (1).
Genome position (GRCh38, 1-based): chr19:52,190,169, G>T. VCF-style: chr19-52190169-G-T. GRCh37 (hg19) VCF-style: chr19-52693422-G-T.
Other names: short protein forms V25F.
Identifiers: ClinVar variation 2867065 (VCV002867065.3), dbSNP rs1357126288, ClinGen allele CA407178660.